The following is an entry in ClinVar:

NM_000899.5(KITLG):c.339G>T (p.Glu113Asp)

Gene: KITLG (KIT ligand; minus strand). Cytogenetic location: 12q21.32.
Variant type: single nucleotide variant.
Coding change: c.339G>T on transcript NM_000899.5 (MANE Select); coding-DNA position 339, G replaced by T.
Protein change: p.Glu113Asp; replaces glutamic acid 113 with aspartic acid.
Molecular consequence: missense variant.
Genome position (GRCh38, 1-based): chr12:88,518,721, C>A on the plus strand (G>T on the coding strand, the complement: KITLG is on the minus strand). VCF-style: chr12-88518721-C-A. GRCh37 (hg19) VCF-style: chr12-88912498-C-A.
Other names: c.339G>T, p.Glu113Asp (NM_003994.6); short protein forms E113D.
Identifiers: ClinVar variation 2002522 (VCV002002522.4), dbSNP rs1308494635, ClinGen allele CA386122424.

ClinVar aggregate classification (germline): Uncertain significance (1 of 4 stars; one submission).

Allele frequency attached by ClinVar (database versions not stated): gnomAD exomes below 0.00001.
gnomAD v4.1: 1 of 1,613,354 alleles (0.000062%); highest among the groups gnomAD compares: Admixed American, 0.0017%; no homozygotes.

Submission:

Labcorp Genetics (formerly Invitae), Labcorp
Classification: Uncertain significance. Last evaluated: 2022-11-01. Review status: criteria provided, single submitter. Criteria: Invitae Variant Classification Sherloc (09022015). Collection method: clinical testing. Allele origin: germline.
Comment: In summary, the available evidence is currently insufficient to determine the role of this variant in disease. Therefore, it has been classified as a Variant of Uncertain Significance. Advanced modeling of protein sequence and biophysical properties (such as structural, functional, and spatial information, amino acid conservation, physicochemical variation, residue mobility, and thermodynamic stability) performed at Invitae indicates that this missense variant is not expected to disrupt KITLG protein function. This variant has not been reported in the literature in individuals affected with KITLG-related conditions. This variant is present in population databases (no rsID available, gnomAD 0.003%). This sequence change replaces glutamic acid, which is acidic and polar, with aspartic acid, which is acidic and polar, at codon 113 of the KITLG protein (p.Glu113Asp).